The following is an entry in ClinVar:

NM_001025616.3(ARHGAP24):c.2145T>C (p.Asn715=)

Gene: ARHGAP24 (Rho GTPase activating protein 24; plus strand). Cytogenetic location: 4q21.3.
Variant type: single nucleotide variant.
Coding change: c.2145T>C on transcript NM_001025616.3 (MANE Select); coding-DNA position 2145, T replaced by C.
Protein change: p.Asn715=; no amino-acid change (asparagine 715 retained).
Molecular consequence: synonymous variant.
Genome position (GRCh38, 1-based): chr4:86,000,620, T>C. VCF-style: chr4-86000620-T-C. GRCh37 (hg19) VCF-style: chr4-86921773-T-C.
Other names: c.1860T>C, p.Asn620= (NM_001042669.2); c.1890T>C, p.Asn630= (NM_001287805.2); c.1566T>C, p.Asn522= (NM_001346093.2); c.1866T>C, p.Asn622= (NM_031305.3).
Identifiers: ClinVar variation 4981762 (VCV004981762.1).

ClinVar aggregate classification (germline): Likely benign (1 of 4 stars; one submission).

Conditions:
ARHGAP24-related disorder. Also called: ARHGAP24-related condition.

gnomAD v4.1: 3 of 1,613,764 alleles (0.00019%); highest among the groups gnomAD compares: African/African-American, 0.0027%; no homozygotes.

Submission:

PreventionGenetics, part of Exact Sciences
Classification: Likely benign for ARHGAP24-related condition. Last evaluated: 2025-01-03. Review status: criteria provided, single submitter. Criteria: ACMG Guidelines, 2015. Collection method: clinical testing. Allele origin: germline.
Comment: This variant is classified as likely benign based on ACMG/AMP sequence variant interpretation guidelines (Richards et al. 2015 PMID: 25741868, with internal and published modifications).